The following is an entry in ClinVar:

NM_001039672.3(YIF1B):c.716T>A (p.Met239Lys)

Gene: YIF1B (Yip1 interacting factor homolog B, membrane trafficking protein; minus strand). Cytogenetic location: 19q13.2.
Variant type: single nucleotide variant.
Coding change: c.716T>A on transcript NM_001039672.3 (MANE Select); coding-DNA position 716, T replaced by A.
Protein change: p.Met239Lys; replaces methionine 239 with lysine.
Molecular consequence: missense variant.
Genome position (GRCh38, 1-based): chr19:38,307,501, A>T on the plus strand (T>A on the coding strand, the complement: YIF1B is on the minus strand). VCF-style: chr19-38307501-A-T. GRCh37 (hg19) VCF-style: chr19-38798141-A-T.
Other names: c.671T>A, p.Met224Lys (NM_001039671.3); c.707T>A, p.Met236Lys (NM_001039673.3, NM_001145463.2); c.665T>A, p.Met222Lys (NM_001145461.2); c.623T>A, p.Met208Lys (NM_001145462.2); short protein forms M208K, M222K, M224K, M236K, M239K.
Identifiers: ClinVar variation 985860 (VCV000985860.4), dbSNP rs1969104515, ClinGen allele CA405644055.
Genomic context (GRCh38, chr19:38,307,501, plus strand): 5'-ATGGCTACGCAGCACCAGCCCAGCACCAGGTAGTAGCCAATCTTCCCGAAGAGCAGGCCC[A>T]TGAGGACCCCGCCAATCATCCTGGGGGAGGGAGAGGAGGCTGTGTGAGGACAAGGCCCAA-3'
Protein context (NP_001034761.1, residues 229-249): KYVGMIGGVL[Met239Lys]GLLFGKIGYY

ClinVar aggregate classification (germline): Uncertain significance (1 of 4 stars; one submission).

Conditions:
Inborn genetic diseases. Identifiers: MedGen C0950123, MeSH D030342.

Submission:

Ambry Genetics
Classification: Uncertain significance for Inborn genetic diseases. Last evaluated: 2020-07-24. Review status: criteria provided, single submitter. Criteria: Ambry Variant Classification Scheme 2023. Collection method: clinical testing. Allele origin: germline.
Comment: The alteration results in an amino acid change:_x000D_ _x000D_ The c.716T>A (p.M239K) alteration is located in coding exon 7 of the YIF1B gene. This alteration results from a T to A substitution at nucleotide position 716, causing the methionine (M) at amino acid position 239 to be replaced by a lysine (K). The alteration is not observed in population databases:_x000D_ _x000D_ Based on data from the Genome Aggregation Database (gnomAD), the YIF1B c.716T>A alteration was not observed, with coverage at this position. The altered amino acid is not conserved throughout evolution:_x000D_ _x000D_ The p.M239 amino acid is not conserved in available vertebrate species. The alteration is predicted tolerated by in silico modeling:_x000D_ _x000D_ The p.M239K alteration is predicted to be tolerated by in silico analysis. Based on insufficient or conflicting evidence, the clinical significance of this alteration remains unclear.